The following is an entry in ClinVar:

NM_000252.3(MTM1):c.1420C>T (p.Arg474Ter)

Gene: MTM1 (myotubularin 1; plus strand). Cytogenetic location: Xq28.
Variant type: single nucleotide variant.
Coding change: c.1420C>T on transcript NM_000252.3 (MANE Select); coding-DNA position 1420, C replaced by T.
Protein change: p.Arg474Ter; replaces arginine 474 with a stop codon.
Molecular consequence: nonsense.
Genome position (GRCh38, 1-based): chrX:150,660,437, C>T. VCF-style: chrX-150660437-C-T. GRCh37 (hg19) VCF-style: chrX-149828910-C-T.
Other names: c.1420C>T, p.Arg474Ter (NM_001376906.1, NM_001376908.1); c.1309C>T, p.Arg437Ter (NM_001376907.1); short protein forms R474*, R437*.
Identifiers: ClinVar variation 158935 (VCV000158935.19), dbSNP rs587783792, ClinGen allele CA271814.

ClinVar aggregate classification (germline): Pathogenic. Review status: criteria provided, multiple submitters, no conflicts (2 of 4 stars). 4 submissions from 4 submitters: Pathogenic (4). Last evaluated 2023-12-21.

Conditions:
Severe X-linked myotubular myopathy (CNMX). Also called: MYOTUBULAR MYOPATHY 1; X-linked centronuclear myopathy; Myotubular myopathy, X-linked. Identifiers: Orphanet 596, MedGen C0410203, MONDO:0010683, OMIM 310400.

Allele frequency attached by ClinVar (database versions not stated): gnomAD exomes below 0.00001.
gnomAD v4.1: 1 of 1,202,951 alleles (0.000083%); highest among the groups gnomAD compares: Non-Finnish European, 0.00011%; no homozygotes.

Submissions (4):

GeneDx
Classification: Pathogenic. Last evaluated: 2023-12-21. Review status: criteria provided, single submitter. Criteria: GeneDx Variant Classification Process June 2021. Collection method: clinical testing. Allele origin: germline. Affected: yes.
Comment: Nonsense variant predicted to result in protein truncation or nonsense mediated decay in a gene for which loss of function is a known mechanism of disease; Not observed at significant frequency in large population cohorts (gnomAD); This variant is associated with the following publications: (PMID: 9305655, 34366366, 11793470, 12522554, 18358876, 25525159, 33333461, 31069529)

Labcorp Genetics (formerly Invitae), Labcorp
Classification: Pathogenic for Severe X-linked myotubular myopathy. Last evaluated: 2023-03-29. Review status: criteria provided, single submitter. Criteria: Invitae Variant Classification Sherloc (09022015). Collection method: clinical testing. Allele origin: germline.
Comment: For these reasons, this variant has been classified as Pathogenic. ClinVar contains an entry for this variant (Variation ID: 158935). This premature translational stop signal has been observed in individuals with myotubular myopathy (PMID: 9305655, 11793470, 18358876, 25957634). This variant is not present in population databases (gnomAD no frequency). This sequence change creates a premature translational stop signal (p.Arg474*) in the MTM1 gene. It is expected to result in an absent or disrupted protein product. Loss-of-function variants in MTM1 are known to be pathogenic (PMID: 9305655, 10063835).

Revvity Omics, Revvity
Classification: Pathogenic. Last evaluated: 2019-04-12. Review status: criteria provided, single submitter. Criteria: ACMG Guidelines, 2015. Collection method: clinical testing. Allele origin: germline.

Genetic Services Laboratory, University of Chicago
Classification: Pathogenic for Myotubular myopathy, X-linked. Last evaluated: 2013-02-08. Review status: criteria provided, single submitter. Criteria: ACMG Guidelines, 2007. Collection method: clinical testing. Allele origin: germline. Inheritance: X-linked inheritance. Affected: yes.

Literature cited by the submitters: PubMed 9305655 (cited by Labcorp Genetics (formerly Invitae), Labcorp); PubMed 11793470 (cited by Labcorp Genetics (formerly Invitae), Labcorp); PubMed 18358876 (cited by Labcorp Genetics (formerly Invitae), Labcorp); PubMed 25957634 (cited by Labcorp Genetics (formerly Invitae), Labcorp); PubMed 10063835 (cited by Labcorp Genetics (formerly Invitae), Labcorp).